The following is an entry in ClinVar:

NM_000975.5(RPL11):c.236C>T (p.Ala79Val)

Gene: RPL11 (ribosomal protein L11; plus strand). Cytogenetic location: 1p36.11.
Variant type: single nucleotide variant.
Coding change: c.236C>T on transcript NM_000975.5 (MANE Select); coding-DNA position 236, C replaced by T.
Protein change: p.Ala79Val; replaces alanine 79 with valine.
Molecular consequence: missense variant.
Genome position (GRCh38, 1-based): chr1:23,693,885, C>T. VCF-style: chr1-23693885-C-T. GRCh37 (hg19) VCF-style: chr1-24020375-C-T.
Other names: c.233C>T, p.Ala78Val (NM_001199802.1); short protein forms A78V, A79V.
Identifiers: ClinVar variation 2868969 (VCV002868969.3), dbSNP rs771039666, ClinGen allele CA684218.

ClinVar aggregate classification (germline): Uncertain significance (1 of 4 stars; one submission).

Conditions:
Diamond-Blackfan anemia. Also called: Blackfan Diamond syndrome; Aregenerative anemia chronic congenital; Red cell aplasia, pure hereditary; Congenital hypoplastic anemia; Aase syndrome. Identifiers: Orphanet 124, MedGen C1260899, MeSH D029503, MONDO:0015253, HP:0004810.

Allele frequency attached by ClinVar (database versions not stated): gnomAD exomes below 0.00001; ExAC 0.00001.
gnomAD v4.1: 7 of 1,614,122 alleles (0.00043%); highest among the groups gnomAD compares: Non-Finnish European, 0.00051%; no homozygotes.

Submission:

Labcorp Genetics (formerly Invitae), Labcorp
Classification: Uncertain significance for Diamond-Blackfan anemia. Last evaluated: 2024-12-19. Review status: criteria provided, single submitter. Criteria: Invitae Variant Classification Sherloc (09022015). Collection method: clinical testing. Allele origin: germline.
Comment: This sequence change replaces alanine, which is neutral and non-polar, with valine, which is neutral and non-polar, at codon 79 of the RPL11 protein (p.Ala79Val). This variant is present in population databases (rs771039666, gnomAD 0.0009%). This variant has not been reported in the literature in individuals affected with RPL11-related conditions. ClinVar contains an entry for this variant (Variation ID: 2868969). An algorithm developed to predict the effect of missense changes on protein structure and function (PolyPhen-2) suggests that this variant is likely to be disruptive. In summary, the available evidence is currently insufficient to determine the role of this variant in disease. Therefore, it has been classified as a Variant of Uncertain Significance.